The following is an entry in ClinVar:

NM_005732.4(RAD50):c.3370_3373del (p.Tyr1124fs)

Gene: RAD50 (RAD50 double strand break repair protein; plus strand). Cytogenetic location: 5q31.1.
Variant type: Microsatellite.
Coding change: c.3370_3373del on transcript NM_005732.4 (MANE Select); coding-DNA positions 3370 to 3373, 4 bases deleted (TATT; older notation c.3370_3373delTATT).
Protein change: p.Tyr1124fs; shifts the reading frame from tyrosine 1124.
Molecular consequence: frameshift variant.
Genome position (GRCh38, 1-based): chr5:132,618,275-132,618,278, TATT deleted; deleting any 4 consecutive bases within chr5:132,618,271-132,618,278 gives the same sequence; the c. name uses the placement nearest the transcript's 3' end. VCF-style (leftmost placement, unchanged base first): chr5-132618270-ATATT-A. GRCh37 (hg19) VCF-style: chr5-131953962-ATATT-A.
Other names: c.3370_3373del (NM_005732.3); short protein forms Y1124fs.
Identifiers: ClinVar variation 408329 (VCV000408329.9), dbSNP rs1060501923, ClinGen allele CA16611745.

ClinVar aggregate classification (germline): Pathogenic (1 of 4 stars; one submission).

Conditions:
Hereditary cancer-predisposing syndrome. Also called: Hereditary Cancer Syndrome; Hereditary neoplastic syndrome; Neoplastic Syndromes, Hereditary; Tumor predisposition. Identifiers: Orphanet 140162, MedGen C0027672, MeSH D009386, MONDO:0015356.

Submission:

Labcorp Genetics (formerly Invitae), Labcorp
Classification: Pathogenic for Hereditary cancer-predisposing syndrome. Last evaluated: 2021-12-12. Review status: criteria provided, single submitter. Criteria: Invitae Variant Classification Sherloc (09022015). Collection method: clinical testing. Allele origin: germline.
Comment: For these reasons, this variant has been classified as Pathogenic. ClinVar contains an entry for this variant (Variation ID: 408329). This variant has not been reported in the literature in individuals affected with RAD50-related conditions. This variant is not present in population databases (gnomAD no frequency). This sequence change creates a premature translational stop signal (p.Tyr1124Ilefs*8) in the RAD50 gene. It is expected to result in an absent or disrupted protein product. Loss-of-function variants in RAD50 are known to be pathogenic (PMID: 19409520).

Literature cited by the submitters: PubMed 19409520.